The following is an entry in ClinVar:

NM_000540.3(RYR1):c.6443C>T (p.Ser2148Phe)

Gene: RYR1 (ryanodine receptor 1; plus strand). Cytogenetic location: 19q13.2.
Variant type: single nucleotide variant.
Coding change: c.6443C>T on transcript NM_000540.3 (MANE Select); coding-DNA position 6443, C replaced by T.
Protein change: p.Ser2148Phe; replaces serine 2148 with phenylalanine.
Molecular consequence: missense variant.
Genome position (GRCh38, 1-based): chr19:38,494,520, C>T. VCF-style: chr19-38494520-C-T. GRCh37 (hg19) VCF-style: chr19-38985160-C-T.
Other names: c.6443C>T, p.Ser2148Phe (NM_001042723.2); short protein forms S2148F.
Identifiers: ClinVar variation 3385426 (VCV003385426.1).

ClinVar aggregate classification (germline): Uncertain significance (1 of 4 stars; one submission).

Conditions:
Malignant hyperthermia, susceptibility to, 1 (MHS1). Also called: Anesthesia related hyperthermia; Malignant hyperpyrexia; Fulminating hyperpyrexia; Pharmacogenic myopathy; Malignant hyperthermia suceptibility 1; RYR1-Related Malignant Hyperthermia Susceptibility. Identifiers: Orphanet 423, MedGen C2930980, MONDO:0007783, OMIM 145600.

gnomAD v4.1: 1 of 1,613,936 alleles (0.000062%); highest among the groups gnomAD compares: Non-Finnish European, 0.000085%; no homozygotes.

Submission:

All of Us Research Program, National Institutes of Health
Classification: Uncertain significance for Malignant hyperthermia, susceptibility to, 1. Last evaluated: 2024-06-09. Review status: criteria provided, single submitter. Criteria: ACMG Guidelines, 2015. Collection method: clinical testing. Allele origin: germline. Inheritance: Autosomal dominant inheritance. Observed: 1 variant allele, 1 heterozygote.
Comment: This missense variant replaces serine with phenylalanine at codon 2148 of the RYR1 protein. Computational prediction is inconclusive regarding the impact of this variant on protein structure and function. To our knowledge, functional studies have not been reported for this variant. This variant has not been reported in individuals affected with RYR1-related disorders in the literature. This variant has not been identified in the general population by the Genome Aggregation Database (gnomAD). The available evidence is insufficient to determine the role of this variant in disease conclusively. Therefore, this variant is classified as a Variant of Uncertain Significance.

This study involves interpretation of variants in research participants for the purpose of population health screening. Participant phenotype was not available at the time of variant classification. Additional details can be found in publication PMID: 35346344, PMCID: PMC8962531